The following is an entry in ClinVar:

ClinVar aggregate classification (germline): Uncertain significance (1 of 4 stars; one submission).

Conditions:
Hereditary spastic paraplegia 39 (SPG39). Also called: Spastic Paraplegia Type 39 (SPG39); SPASTIC PARAPLEGIA 39, AUTOSOMAL RECESSIVE. Identifiers: Orphanet 139480, MedGen C2677586, MONDO:0012787, OMIM 612020.

Allele frequency attached by ClinVar (database versions not stated): gnomAD exomes below 0.00001 and 0.00003.
gnomAD v4.1: 47 of 1,597,720 alleles (0.0029%); highest among the groups gnomAD compares: Non-Finnish European, 0.0037%; no homozygotes.

Submission:

Labcorp Genetics (formerly Invitae), Labcorp
Classification: Uncertain significance for Hereditary spastic paraplegia 39. Last evaluated: 2021-01-14. Review status: criteria provided, single submitter. Criteria: Invitae Variant Classification Sherloc (09022015). Collection method: clinical testing. Allele origin: germline.
Comment: In summary, the available evidence is currently insufficient to determine the role of this variant in disease. Therefore, it has been classified as a Variant of Uncertain Significance. Algorithms developed to predict the effect of missense changes on protein structure and function do not agree on the potential impact of this missense change (SIFT: "Deleterious"; PolyPhen-2: "Benign"; Align-GVGD: "Class C0"). This variant has not been reported in the literature in individuals with PNPLA6-related disease. This variant is not present in population databases (ExAC no frequency). This sequence change replaces glutamic acid with lysine at codon 126 of the PNPLA6 protein (p.Glu126Lys). The glutamic acid residue is moderately conserved and there is a small physicochemical difference between glutamic acid and lysine.

NM_001166114.2(PNPLA6):c.493G>A (p.Glu165Lys)

Gene: PNPLA6 (patatin like domain 6, lysophospholipase; plus strand). Cytogenetic location: 19p13.2.
Variant type: single nucleotide variant.
Coding change: c.493G>A on transcript NM_001166114.2 (MANE Select); coding-DNA position 493, G replaced by A.
Protein change: p.Glu165Lys; replaces glutamic acid 165 with lysine.
Molecular consequence: missense variant.
Genome position (GRCh38, 1-based): chr19:7,539,997, G>A. VCF-style: chr19-7539997-G-A. GRCh37 (hg19) VCF-style: chr19-7604883-G-A.
Other names: c.520G>A, p.Glu174Lys (NM_001166111.2); c.376G>A, p.Glu126Lys (NM_001166112.2, NM_001166113.1, NM_006702.5); short protein forms E126K, E165K, E174K.
Identifiers: ClinVar variation 857652 (VCV000857652.7), dbSNP rs1370160653, ClinGen allele CA403101284.